The following is an entry in ClinVar:

NM_003070.5(SMARCA2):c.101G>C (p.Gly34Ala)

Gene: SMARCA2 (SWI/SNF related BAF chromatin remodeling complex subunit ATPase 2; plus strand). Cytogenetic location: 9p24.3.
Variant type: single nucleotide variant.
Coding change: c.101G>C on transcript NM_003070.5 (MANE Select); coding-DNA position 101, G replaced by C.
Protein change: p.Gly34Ala; replaces glycine 34 with alanine.
Molecular consequence: missense variant.
Genome position (GRCh38, 1-based): chr9:2,029,123, G>C. VCF-style: chr9-2029123-G-C. GRCh37 (hg19) VCF-style: chr9-2029123-G-C.
Other names: c.101G>C, p.Gly34Ala (NM_001289396.2, NM_001289397.2, NM_139045.4); short protein forms G34A.
Identifiers: ClinVar variation 4801775 (VCV004801775.1).

ClinVar aggregate classification (germline): Uncertain significance (1 of 4 stars; one submission).

Submission:

Labcorp Genetics (formerly Invitae), Labcorp
Classification: Uncertain significance. Last evaluated: 2025-06-02. Review status: criteria provided, single submitter. Criteria: Invitae Variant Classification Sherloc (09022015). Collection method: clinical testing. Allele origin: germline.
Comment: This sequence change replaces glycine, which is neutral and non-polar, with alanine, which is neutral and non-polar, at codon 34 of the SMARCA2 protein (p.Gly34Ala). This variant is not present in population databases (gnomAD no frequency). This variant has not been reported in the literature in individuals affected with SMARCA2-related conditions. Invitae Evidence Modeling of protein sequence and biophysical properties (such as structural, functional, and spatial information, amino acid conservation, physicochemical variation, residue mobility, and thermodynamic stability) indicates that this missense variant is not expected to disrupt SMARCA2 protein function with a negative predictive value of 95%. In summary, the available evidence is currently insufficient to determine the role of this variant in disease. Therefore, it has been classified as a Variant of Uncertain Significance.